The following is an entry in ClinVar:

ClinVar aggregate classification (germline): Likely benign (1 of 4 stars; one submission).

gnomAD v4.1: 1 of 1,606,188 alleles (0.000062%); highest among the groups gnomAD compares: Non-Finnish European, 0.000085%; no homozygotes.

Submission:

CeGaT Center for Human Genetics Tuebingen
Classification: Likely benign. Last evaluated: 2026-03-01. Review status: criteria provided, single submitter. Criteria: CeGaT Center For Human Genetics Tuebingen Variant Classification Criteria Version 2. Collection method: clinical testing. Allele origin: germline. Affected: yes. Observed: 1 variant allele.
Comment: ATP5MK: BP4, BP7

NM_001206427.2(ATP5MK):c.75A>G (p.Thr25=)

Gene: ATP5MK (ATP synthase membrane subunit k; minus strand). Cytogenetic location: 10q24.33.
Variant type: single nucleotide variant.
Coding change: c.75A>G on transcript NM_001206427.2 (MANE Select); coding-DNA position 75, A replaced by G.
Protein change: p.Thr25=; no amino-acid change (threonine 25 retained).
Molecular consequence: synonymous variant.
Genome position (GRCh38, 1-based): chr10:103,392,383, T>C on the plus strand (A>G on the coding strand, the complement: ATP5MK is on the minus strand). VCF-style: chr10-103392383-T-C. GRCh37 (hg19) VCF-style: chr10-105152140-T-C.
Other names: c.75A>G, p.Thr25= (NM_001206426.2, NM_032747.4).
Identifiers: ClinVar variation 4822556 (VCV004822556.4).